The following is an entry in ClinVar:

ClinVar aggregate classification (germline): Conflicting classifications of pathogenicity. Review status: criteria provided, conflicting classifications (1 of 4 stars). 11 submissions from 11 submitters: Uncertain significance (1); Benign (6); Likely benign (1). 3 of the submissions do not count toward it. Last evaluated 2026-09-01.

Conditions:
MTMR2-related disorder. Also called: MTMR2-related condition.
Charcot-Marie-Tooth disease. Also called: Charcot-Marie-Tooth Hereditary Neuropathy; Charcot-Marie-Tooth Neuropathy. Identifiers: Orphanet 166, MedGen C0007959, MONDO:0015626.
Charcot-Marie-Tooth disease type 4. Also called: Charcot-Marie-Tooth disease, type IV; Charcot-Marie-Tooth, Type 4. Identifiers: Orphanet 64749, MedGen C4082197, MONDO:0018995.
Charcot-Marie-Tooth disease type 4B1. Also called: CHARCOT-MARIE-TOOTH DISEASE, DEMYELINATING, TYPE 4B1; CHARCOT-MARIE-TOOTH DISEASE, AUTOSOMAL RECESSIVE, WITH FOCALLY FOLDED MYELIN SHEATHS, AUTOSOMAL RECESSIVE, TYPE 4B1; CHARCOT-MARIE-TOOTH DISEASE, TYPE 4B; Charcot-Marie-Tooth Neuropathy Type 4B1. Identifiers: Orphanet 99955, MedGen C1832399, MONDO:0011066, OMIM 601382.

Allele frequency attached by ClinVar (database versions not stated): TOPMed 0.00140; ESP Exome Variant Server 0.00162; gnomAD 0.00169; gnomAD exomes 0.00278; ExAC 0.00302; 1000 Genomes Project 30x 0.00390; 1000 Genomes Project 0.00399.
gnomAD v4.1: 3,427 of 1,613,144 alleles (0.21%); highest among the groups gnomAD compares: South Asian, 1%; 24 homozygotes.

Submissions (11):

CeGaT Center for Human Genetics Tuebingen
Classification: Benign. Last evaluated: 2026-09-01. Review status: criteria provided, single submitter. Criteria: CeGaT Center For Human Genetics Tuebingen Variant Classification Criteria Version 2. Collection method: clinical testing. Allele origin: germline. Affected: yes. Observed: 12 variant alleles.
Comment: MTMR2: BS1, BS2

Labcorp Genetics (formerly Invitae), Labcorp
Classification: Benign for Charcot-Marie-Tooth disease type 4. Last evaluated: 2026-01-25. Review status: criteria provided, single submitter. Criteria: Invitae Variant Classification Sherloc (09022015). Collection method: clinical testing. Allele origin: germline.

ARUP Laboratories, Molecular Genetics and Genomics, ARUP Laboratories
Classification: Benign for Charcot-Marie-Tooth disease type 4B1. Last evaluated: 2022-04-18. Review status: criteria provided, single submitter. Criteria: ARUP Molecular Germline Variant Investigation Process 2021. Collection method: clinical testing. Allele origin: germline.

Mayo Clinic Laboratories, Mayo Clinic
Classification: Benign. Last evaluated: 2021-09-16. Review status: criteria provided, single submitter. Criteria: ACMG Guidelines, 2015. Collection method: clinical testing. Allele origin: germline. Observed: 7 variant alleles.
Comment: BS1, BS2

Athena Diagnostics
Classification: Benign. Last evaluated: 2019-04-10. Review status: criteria provided, single submitter. Criteria: Athena Diagnostics Criteria. Collection method: clinical testing. Allele origin: germline.

Illumina Laboratory Services, Illumina
Classification: Uncertain significance for Charcot-Marie-Tooth disease type 4B1. Last evaluated: 2017-04-27. Review status: criteria provided, single submitter. Criteria: ICSL Variant Classification Criteria 13 December 2019. Collection method: clinical testing. Allele origin: germline.

GeneDx
Classification: Benign. Last evaluated: 2017-01-17. Review status: criteria provided, single submitter. Criteria: GeneDx Variant Classification Process June 2021. Collection method: clinical testing. Allele origin: germline. Affected: yes.

Molecular Genetics Laboratory, London Health Sciences Centre
Classification: Likely benign for Charcot-Marie-Tooth disease. Review status: criteria provided, single submitter. Criteria: ACMG Guidelines, 2015. Collection method: clinical testing. Allele origin: germline. Affected: yes.

PreventionGenetics, part of Exact Sciences
Classification: Benign for MTMR2-related condition. Last evaluated: 2019-06-25. Review status: no assertion criteria provided. Collection method: clinical testing. Allele origin: germline. Not counted in ClinVar's aggregate classification.
Comment: This variant is classified as benign based on ACMG/AMP sequence variant interpretation guidelines (Richards et al. 2015 PMID: 25741868, with internal and published modifications).

Clinical Genetics, Academic Medical Center
Classification: Likely benign. Review status: no assertion criteria provided. Collection method: clinical testing. Allele origin: germline. Affected: yes. Study: VKGL Data-share Consensus. Not counted in ClinVar's aggregate classification.

Genome Diagnostics Laboratory, University Medical Center Utrecht
Classification: Likely benign. Review status: no assertion criteria provided. Collection method: clinical testing. Allele origin: germline. Affected: yes. Study: VKGL Data-share Consensus. Not counted in ClinVar's aggregate classification.

NM_016156.6(MTMR2):c.1855T>C (p.Ser619Pro)

Gene: MTMR2 (myotubularin related protein 2; minus strand). Cytogenetic location: 11q21.
Variant type: single nucleotide variant.
Coding change: c.1855T>C on transcript NM_016156.6 (MANE Select); coding-DNA position 1855, T replaced by C.
Protein change: p.Ser619Pro; replaces serine 619 with proline.
Molecular consequence: missense variant.
Genome position (GRCh38, 1-based): chr11:95,835,367, A>G on the plus strand (T>C on the coding strand, the complement: MTMR2 is on the minus strand). VCF-style: chr11-95835367-A-G. GRCh37 (hg19) VCF-style: chr11-95568531-A-G.
Other names: c.1639T>C, p.Ser547Pro (NM_001243571.2, NM_201278.3, NM_201281.3); short protein forms S619P, S547P.
Identifiers: ClinVar variation 234375 (VCV000234375.56), dbSNP rs116750638, ClinGen allele CA6239839.